The following is an entry in ClinVar:

NM_020374.4(FERRY3):c.484G>T (p.Glu162Ter)

Gene: FERRY3 (FERRY endosomal RAB5 effector complex subunit 3; minus strand). Cytogenetic location: 12p13.32.
Variant type: single nucleotide variant.
Coding change: c.484G>T on transcript NM_020374.4 (MANE Select); coding-DNA position 484, G replaced by T.
Protein change: p.Glu162Ter; replaces glutamic acid 162 with a stop codon.
Molecular consequence: nonsense. On other transcripts: 5 prime UTR variant (3), non-coding transcript variant (3).
Genome position (GRCh38, 1-based): chr12:4,529,891, C>A on the plus strand (G>T on the coding strand, the complement: FERRY3 is on the minus strand). VCF-style: chr12-4529891-C-A. GRCh37 (hg19) VCF-style: chr12-4639057-C-A.
Other names: c.484G>T, p.Glu162Ter (NM_001304811.2, NM_001346153.2, NM_001346155.2); c.-262G>T (NM_001352962.2); c.-36G>T (NM_001346156.2, NM_001346157.2); short protein forms E162*.
Identifiers: ClinVar variation 2081241 (VCV002081241.1), dbSNP rs1352726114, ClinGen allele CA383424750.

ClinVar aggregate classification (germline): Pathogenic (1 of 4 stars; one submission).

Submission:

Labcorp Genetics (formerly Invitae), Labcorp
Classification: Pathogenic. Last evaluated: 2022-06-27. Review status: criteria provided, single submitter. Criteria: Invitae Variant Classification Sherloc (09022015). Collection method: clinical testing. Allele origin: germline.
Comment: This sequence change creates a premature translational stop signal (p.Glu162*) in the C12orf4 gene. It is expected to result in an absent or disrupted protein product. Loss-of-function variants in C12orf4 are known to be pathogenic (PMID: 27311568). This variant is not present in population databases (gnomAD no frequency). This variant has not been reported in the literature in individuals affected with C12orf4-related conditions. Algorithms developed to predict the effect of sequence changes on RNA splicing suggest that this variant may disrupt the consensus splice site. For these reasons, this variant has been classified as Pathogenic.

Literature cited by the submitters: PubMed 27311568.